The following is an entry in ClinVar:

NM_001386135.1(AFF3):c.2667C>A (p.His889Gln)

Gene: AFF3 (ALF transcription elongation factor 3; minus strand). Cytogenetic location: 2q11.2.
Variant type: single nucleotide variant.
Coding change: c.2667C>A on transcript NM_001386135.1 (MANE Select); coding-DNA position 2667, C replaced by A.
Protein change: p.His889Gln; replaces histidine 889 with glutamine.
Molecular consequence: missense variant.
Genome position (GRCh38, 1-based): chr2:99,582,924, G>T on the plus strand (C>A on the coding strand, the complement: AFF3 is on the minus strand). VCF-style: chr2-99582924-G-T. GRCh37 (hg19) VCF-style: chr2-100199386-G-T.
Other names: c.2742C>A, p.His914Gln (NM_001025108.2); c.2667C>A, p.His889Gln (NM_002285.3); short protein forms H914Q, H889Q.
Identifiers: ClinVar variation 4980949 (VCV004980949.1).

ClinVar aggregate classification (germline): Benign (1 of 4 stars; one submission).

Conditions:
AFF3-related disorder. Also called: AFF3-related condition.

gnomAD v4.1: 1,878 of 1,614,112 alleles (0.12%); highest among the groups gnomAD compares: East Asian, 3.6%; 43 homozygotes.

Submission:

PreventionGenetics, part of Exact Sciences
Classification: Benign for AFF3-related condition. Last evaluated: 2025-10-30. Review status: criteria provided, single submitter. Criteria: ACMG Guidelines, 2015. Collection method: clinical testing. Allele origin: germline.
Comment: This variant is classified as benign based on ACMG/AMP sequence variant interpretation guidelines (Richards et al. 2015 PMID: 25741868, with internal and published modifications).